The following is an entry in ClinVar:

ClinVar aggregate classification (germline): Uncertain significance (1 of 4 stars; one submission).

Allele frequency attached by ClinVar (database versions not stated): gnomAD exomes below 0.00001; ExAC 0.00001.
gnomAD v4.1: 1 of 1,611,748 alleles (0.000062%); highest among the groups gnomAD compares: East Asian, 0.0022%; no homozygotes.

Submission:

Labcorp Genetics (formerly Invitae), Labcorp
Classification: Uncertain significance. Last evaluated: 2020-10-01. Review status: criteria provided, single submitter. Criteria: Invitae Variant Classification Sherloc (09022015). Collection method: clinical testing. Allele origin: germline.
Comment: Algorithms developed to predict the effect of missense changes on protein structure and function are either unavailable or do not agree on the potential impact of this missense change (SIFT: "Tolerated"; PolyPhen-2: "Possibly Damaging"; Align-GVGD: "Class C15"). This variant has not been reported in the literature in individuals with PDE6B-related conditions. This variant is present in population databases (rs746421870, ExAC 0.002%). This sequence change replaces isoleucine with valine at codon 644 of the PDE6B protein (p.Ile644Val). The isoleucine residue is highly conserved and there is a small physicochemical difference between isoleucine and valine. In summary, the available evidence is currently insufficient to determine the role of this variant in disease. Therefore, it has been classified as a Variant of Uncertain Significance.

NM_000283.4(PDE6B):c.1930A>G (p.Ile644Val)

Gene: PDE6B (phosphodiesterase 6B; plus strand). Cytogenetic location: 4p16.3.
Variant type: single nucleotide variant.
Coding change: c.1930A>G on transcript NM_000283.4 (MANE Select); coding-DNA position 1930, A replaced by G.
Protein change: p.Ile644Val; replaces isoleucine 644 with valine.
Molecular consequence: missense variant.
Genome position (GRCh38, 1-based): chr4:663,779, A>G. VCF-style: chr4-663779-A-G. GRCh37 (hg19) VCF-style: chr4-657568-A-G.
Other names: c.1930A>G, p.Ile644Val (NM_001145291.2); c.1093A>G, p.Ile365Val (NM_001145292.2, NM_001350154.3, NM_001379246.1 and 1 more transcripts); c.775A>G, p.Ile259Val (NM_001350155.3); short protein forms I259V, I365V, I644V.
Identifiers: ClinVar variation 954029 (VCV000954029.9), dbSNP rs746421870, ClinGen allele CA2794782.